The following is an entry in ClinVar:

ClinVar aggregate classification (germline): Uncertain significance. Review status: criteria provided, single submitter (1 of 4 stars). 2 submissions from 2 submitters: Uncertain significance (1). 1 of the submissions does not count toward it. Last evaluated 2025-04-20.

Conditions:
FLG-related disorder. Also called: FLG-related condition; FLG-related disorders.
Inborn genetic diseases. Identifiers: MedGen C0950123, MeSH D030342.

Allele frequency attached by ClinVar (database versions not stated): TOPMed 0.00007.

Submissions (2):

Ambry Genetics
Classification: Uncertain significance for Inborn genetic diseases. Last evaluated: 2025-04-20. Review status: criteria provided, single submitter. Criteria: Ambry Variant Classification Scheme 2023. Collection method: clinical testing. Allele origin: germline.

PreventionGenetics, part of Exact Sciences
Classification: Uncertain significance for FLG-related condition. Last evaluated: 2024-02-01. Review status: no assertion criteria provided. Collection method: clinical testing. Allele origin: germline. Not counted in ClinVar's aggregate classification.
Comment: The FLG c.2613C>A variant is predicted to result in the amino acid substitution p.His871Gln. To our knowledge, this variant has not been reported in the literature. This variant is reported in 0.012% of alleles in individuals of African descent in gnomAD. At this time, the clinical significance of this variant is uncertain due to the absence of conclusive functional and genetic evidence.

NM_002016.2(FLG):c.2613C>A (p.His871Gln)

Genes: CCDST (cervical cancer associated DHX9 suppressive transcript; plus strand), FLG (filaggrin; minus strand). Cytogenetic location: 1q21.3.
Variant type: single nucleotide variant.
Coding change: c.2613C>A on transcript NM_002016.2 (MANE Select); coding-DNA position 2613, C replaced by A.
Protein change: p.His871Gln; replaces histidine 871 with glutamine.
Molecular consequence: missense variant.
Genome position (GRCh38, 1-based): chr1:152,312,273, G>T on the plus strand (C>A on the coding strand, the complement: FLG is on the minus strand). VCF-style: chr1-152312273-G-T. GRCh37 (hg19) VCF-style: chr1-152284749-G-T.
Other names: short protein forms H871Q.
Identifiers: ClinVar variation 3041680 (VCV003041680.3), dbSNP rs781455048, ClinGen allele CA1107076.